The following is an entry in ClinVar:

NM_177438.3(DICER1):c.594_595del (p.Cys199fs)

Gene: DICER1 (dicer 1, ribonuclease III; minus strand). Cytogenetic location: 14q32.13.
Variant type: Deletion.
Coding change: c.594_595del on transcript NM_177438.3 (MANE Select); coding-DNA positions 594 to 595, 2 bases deleted (AT; older notation c.594_595delAT).
Protein change: p.Cys199fs; shifts the reading frame from cysteine 199.
Molecular consequence: frameshift variant. On other transcripts: 5 prime UTR variant (1), non-coding transcript variant (6).
Genome position (GRCh38, 1-based): chr14:95,129,611-95,129,612, AT deleted on the plus strand (AT on the coding strand, the reverse complement: DICER1 is on the minus strand). VCF-style (leftmost placement, unchanged base first): chr14-95129610-CAT-C. GRCh37 (hg19) VCF-style: chr14-95595947-CAT-C.
Other names: c.-975_-974del (NM_001395697.1); c.189_190del, p.Cys64fs (NM_001395698.1, NM_001395687.1, NM_001395688.1 and 3 more transcripts); c.594_595del, p.Cys199fs (NM_001395699.1, NM_001395700.1, NM_030621.4 and 14 more transcripts); c.312_313del, p.Cys105fs (NM_001395686.1); c.27_28del, p.Cys10fs (NM_001395691.1); short protein forms C105fs, C64fs, C199fs, C10fs.
Identifiers: ClinVar variation 3663688 (VCV003663688.2).

ClinVar aggregate classification (germline): Pathogenic (1 of 4 stars; one submission).

Conditions:
DICER1-related tumor predisposition. Also called: DICER1-related pleuropulmonary blastoma cancer predisposition syndrome; DICER1 syndrome. Identifiers: Orphanet 284343, MedGen C3839822, MONDO:0100216.

Submission:

Labcorp Genetics (formerly Invitae), Labcorp
Classification: Pathogenic for DICER1-related tumor predisposition. Last evaluated: 2024-08-28. Review status: criteria provided, single submitter. Criteria: Invitae Variant Classification Sherloc (09022015). Collection method: clinical testing. Allele origin: germline.
Comment: This sequence change creates a premature translational stop signal (p.Cys199Serfs*16) in the DICER1 gene. It is expected to result in an absent or disrupted protein product. Loss-of-function variants in DICER1 are known to be pathogenic (PMID: 19556464, 21266384). This variant is not present in population databases (gnomAD no frequency). This variant has not been reported in the literature in individuals affected with DICER1-related conditions. For these reasons, this variant has been classified as Pathogenic.

Literature cited by the submitters: PubMed 19556464; PubMed 21266384.